The following is an entry in ClinVar:

NM_144670.6(A2ML1):c.4139G>T (p.Gly1380Val)

Gene: A2ML1 (alpha-2-macroglobulin like 1; plus strand). Cytogenetic location: 12p13.31.
Variant type: single nucleotide variant.
Coding change: c.4139G>T on transcript NM_144670.6 (MANE Select); coding-DNA position 4139, G replaced by T.
Protein change: p.Gly1380Val; replaces glycine 1380 with valine.
Molecular consequence: missense variant.
Genome position (GRCh38, 1-based): chr12:8,868,614, G>T. VCF-style: chr12-8868614-G-T. GRCh37 (hg19) VCF-style: chr12-9021210-G-T.
Other names: c.2666G>T, p.Gly889Val (NM_001282424.3); short protein forms G1380V, G889V.
Identifiers: ClinVar variation 2747962 (VCV002747962.3), dbSNP rs2539312021, ClinGen allele CA383813001.

ClinVar aggregate classification (germline): Uncertain significance (1 of 4 stars; one submission).

Submission:

Labcorp Genetics (formerly Invitae), Labcorp
Classification: Uncertain significance. Last evaluated: 2023-06-28. Review status: criteria provided, single submitter. Criteria: Invitae Variant Classification Sherloc (09022015). Collection method: clinical testing. Allele origin: germline.
Comment: This sequence change replaces glycine, which is neutral and non-polar, with valine, which is neutral and non-polar, at codon 1380 of the A2ML1 protein (p.Gly1380Val). This variant is not present in population databases (gnomAD no frequency). This variant has not been reported in the literature in individuals affected with A2ML1-related conditions. An algorithm developed to predict the effect of missense changes on protein structure and function (PolyPhen-2) suggests that this variant is likely to be disruptive. In summary, the available evidence is currently insufficient to determine the role of this variant in disease. Therefore, it has been classified as a Variant of Uncertain Significance.